The following is an entry in ClinVar:

ClinVar aggregate classification (germline): Uncertain significance (1 of 4 stars; one submission).

Conditions:
Granulomatous disease, chronic, autosomal recessive, cytochrome b-positive, type 3. Also called: GRANULOMATOUS DISEASE, CHRONIC, DUE TO NCF4 DEFICIENCY; Granulomatous disease, chronic, autosomal recessive, cytochrome b-positive, type III; GRANULOMATOUS DISEASE, CHRONIC, AUTOSOMAL RECESSIVE, 3; CGD, AUTOSOMAL RECESSIVE CYTOCHROME b-POSITIVE, TYPE III. Identifiers: Orphanet 379, MedGen C3151409, MONDO:0013507, OMIM 613960.

Allele frequency attached by ClinVar (database versions not stated): gnomAD exomes 0.00001.
gnomAD v4.1: 9 of 1,569,950 alleles (0.00057%); highest among the groups gnomAD compares: East Asian, 0.0047%; no homozygotes.

Submission:

Labcorp Genetics (formerly Invitae), Labcorp
Classification: Uncertain significance for Granulomatous disease, chronic, autosomal recessive, cytochrome b-positive, type 3. Last evaluated: 2021-08-27. Review status: criteria provided, single submitter. Criteria: Invitae Variant Classification Sherloc (09022015). Collection method: clinical testing. Allele origin: germline.
Comment: This sequence change replaces arginine with cysteine at codon 169 of the NCF4 protein (p.Arg169Cys). The arginine residue is moderately conserved and there is a large physicochemical difference between arginine and cysteine. This variant is not present in population databases (ExAC no frequency). This variant has not been reported in the literature in individuals affected with NCF4-related conditions. Algorithms developed to predict the effect of missense changes on protein structure and function are either unavailable or do not agree on the potential impact of this missense change (SIFT: "Deleterious"; PolyPhen-2: "Possibly Damaging"; Align-GVGD: "Class C0"). In summary, the available evidence is currently insufficient to determine the role of this variant in disease. Therefore, it has been classified as a Variant of Uncertain Significance.

NM_000631.5(NCF4):c.505C>T (p.Arg169Cys)

Gene: NCF4 (neutrophil cytosolic factor 4; plus strand). Cytogenetic location: 22q12.3.
Variant type: single nucleotide variant.
Coding change: c.505C>T on transcript NM_000631.5 (MANE Select); coding-DNA position 505, C replaced by T.
Protein change: p.Arg169Cys; replaces arginine 169 with cysteine.
Molecular consequence: missense variant.
Genome position (GRCh38, 1-based): chr22:36,871,686, C>T. VCF-style: chr22-36871686-C-T. GRCh37 (hg19) VCF-style: chr22-37267728-C-T.
Other names: c.505C>T, p.Arg169Cys (NM_013416.4); short protein forms R169C.
Identifiers: ClinVar variation 1398054 (VCV001398054.7), dbSNP rs1422597452, ClinGen allele CA411385081.